The following is an entry in ClinVar:

ClinVar aggregate classification (germline): Benign (1 of 4 stars; one submission).

Conditions:
MELAS syndrome (MELAS). Also called: Juvenile myopathy, encephalopathy, lactic acidosis, stroke. Identifiers: Orphanet 550, MedGen C0162671, MONDO:0010789, OMIM 540000.

Submission:

Wong Mito Lab, Molecular and Human Genetics, Baylor College of Medicine
Classification: Benign for MELAS syndrome. Last evaluated: 2019-07-12. Review status: criteria provided, single submitter. Criteria: Modified ACMG Guidelines (Unpublished). Collection method: clinical testing. Allele origin: germline.
Comment: The NC_012920.1:m.12215T>C variant in MT-TS2 gene is interpreted to be a Benign variant based on the modified ACMG guidelines (unpublished). This variant meets the following evidence codes reported in the guidelines: BS1, BS2, BP4

Literature cited by the submitters: PubMed 31965079.

NC_012920.1(MT-TS2):m.12215T>C

Gene: MT-TS2 (mitochondrially encoded tRNA serine 2 (AGU/C); plus strand).
Variant type: single nucleotide variant.
Genome position: chrM-12215-T-C.
Identifiers: ClinVar variation 690159 (VCV000690159.1), dbSNP rs1603223617, ClinGen allele CA913169741.